The following is an entry in ClinVar:

NM_015443.4(KANSL1):c.-90+394C>G

Gene: KANSL1 (KAT8 regulatory NSL complex subunit 1). Cytogenetic location: 17q21.31.
Variant type: single nucleotide variant.
Coding change: c.-90+394C>G on transcript NM_015443.4 (MANE Select); 394 bases into the intron after 90 bases upstream of the start codon, C replaced by G.
Molecular consequence: intron variant. On other transcripts: 5 prime UTR variant (1).
Genome position (GRCh38, 1-based): chr17:46,192,429, G>C on the plus strand (C>G on the coding strand, the complement: KANSL1 is on the minus strand). VCF-style: chr17-46192429-G-C. GRCh37 (hg19) VCF-style: chr17-44269795-G-C.
Other names: c.-100C>G (NM_001193466.2); c.-89-20197C>G (NM_001193465.2, NM_001379198.1).
Identifiers: ClinVar variation 390873 (VCV000390873.1), dbSNP rs1057523908, ClinGen allele CA16608512.

ClinVar aggregate classification (germline): Likely benign (1 of 4 stars; one submission).

Allele frequency attached by ClinVar (database versions not stated): gnomAD 0.00004 and 0.00003; TOPMed 0.00003 and 0.00002.
gnomAD v4.1: 6 of 152,536 alleles (0.0039%); highest among the groups gnomAD compares: African/African-American, 0.014%; no homozygotes.

Submission:

GeneDx
Classification: Likely benign. Last evaluated: 2016-11-15. Review status: criteria provided, single submitter. Criteria: GeneDx Variant Classification (06012015). Collection method: clinical testing. Allele origin: germline. Affected: yes.
Comment: This variant is considered likely benign or benign based on one or more of the following criteria: it is a conservative change, it occurs at a poorly conserved position in the protein, it is predicted to be benign by multiple in silico algorithms, and/or has population frequency not consistent with disease.